The following is an entry in ClinVar:

NM_198578.4(LRRK2):c.7304T>C (p.Leu2435Ser)

Gene: LRRK2 (leucine rich repeat kinase 2; plus strand). Cytogenetic location: 12q12.
Variant type: single nucleotide variant.
Coding change: c.7304T>C on transcript NM_198578.4 (MANE Select); coding-DNA position 7304, T replaced by C.
Protein change: p.Leu2435Ser; replaces leucine 2435 with serine.
Molecular consequence: missense variant.
Genome position (GRCh38, 1-based): chr12:40,364,964, T>C. VCF-style: chr12-40364964-T-C. GRCh37 (hg19) VCF-style: chr12-40758766-T-C.
Other names: short protein forms L2435S.
Identifiers: ClinVar variation 1758220 (VCV001758220.3), dbSNP rs2500038148, ClinGen allele CA384415093.
Genomic context (GRCh38, chr12:40,364,964, plus strand): 5'-AAACCCTCTGCCTTCAGAAGAACACTGCTCTTTGGATAGGAACTGGAGGAGGCCATATTT[T>C]ACTCCTGGATCTTTCAACTCGTCGACTTATACGTGTAATTTACAACTTTTGTAATTCGGT-3'
Protein context (NP_940980.4, residues 2425-2445): LWIGTGGGHI[Leu2435Ser]LLDLSTRRLI

ClinVar aggregate classification (germline): Uncertain significance. Review status: criteria provided, multiple submitters, no conflicts (2 of 4 stars). 2 submissions from 2 submitters: Uncertain significance (2). Last evaluated 2025-03-30.

Conditions:
Inborn genetic diseases. Identifiers: MedGen C0950123, MeSH D030342.
Autosomal dominant Parkinson disease 8. Also called: LRRK2-Related Parkinson Disease; Parkinson disease 8; Parkinson disease 8, susceptibility to. Identifiers: Orphanet 411602, MedGen C1846862, MONDO:0011764, OMIM 607060.

Allele frequency attached by ClinVar (database versions not stated): gnomAD exomes below 0.00001.
gnomAD v4.1: 2 of 1,612,758 alleles (0.00012%); highest among the groups gnomAD compares: Non-Finnish European, 0.00017%; no homozygotes.

Submissions (2):

Labcorp Genetics (formerly Invitae), Labcorp
Classification: Uncertain significance for Autosomal dominant Parkinson disease 8. Last evaluated: 2025-03-30. Review status: criteria provided, single submitter. Criteria: Invitae Variant Classification Sherloc (09022015). Collection method: clinical testing. Allele origin: germline.
Comment: This sequence change replaces leucine, which is neutral and non-polar, with serine, which is neutral and polar, at codon 2435 of the LRRK2 protein (p.Leu2435Ser). This variant is not present in population databases (gnomAD no frequency). This variant has not been reported in the literature in individuals affected with LRRK2-related conditions. ClinVar contains an entry for this variant (Variation ID: 1758220). Invitae Evidence Modeling of protein sequence and biophysical properties (such as structural, functional, and spatial information, amino acid conservation, physicochemical variation, residue mobility, and thermodynamic stability) has been performed for this missense variant. However, the output from this modeling did not meet the statistical confidence thresholds required to predict the impact of this variant on LRRK2 protein function. In summary, the available evidence is currently insufficient to determine the role of this variant in disease. Therefore, it has been classified as a Variant of Uncertain Significance.

Ambry Genetics
Classification: Uncertain significance for Inborn genetic diseases. Last evaluated: 2023-11-23. Review status: criteria provided, single submitter. Criteria: Ambry Variant Classification Scheme 2023. Collection method: clinical testing. Allele origin: germline.
Comment: The p.L2435S variant (also known as c.7304T>C), located in coding exon 49 of the LRRK2 gene, results from a T to C substitution at nucleotide position 7304. The leucine at codon 2435 is replaced by serine, an amino acid with dissimilar properties. This amino acid position is conserved. In addition, the in silico prediction for this alteration is inconclusive. Since supporting evidence is limited at this time, the clinical significance of this alteration remains unclear.